The following is an entry in ClinVar:

NM_001111125.3(IQSEC2):c.2564G>A (p.Arg855Gln)

Gene: IQSEC2 (IQ motif and Sec7 domain ArfGEF 2; minus strand). Cytogenetic location: Xp11.22.
Variant type: single nucleotide variant.
Coding change: c.2564G>A on transcript NM_001111125.3 (MANE Select); coding-DNA position 2564, G replaced by A.
Protein change: p.Arg855Gln; replaces arginine 855 with glutamine.
Molecular consequence: missense variant.
Genome position (GRCh38, 1-based): chrX:53,248,132, C>T on the plus strand (G>A on the coding strand, the complement: IQSEC2 is on the minus strand). VCF-style: chrX-53248132-C-T. GRCh37 (hg19) VCF-style: chrX-53277314-C-T.
Other names: c.2564G>A, p.Arg855Gln (NM_001410736.1, NM_001441092.1); c.2066G>A, p.Arg689Gln (NM_001441093.1); c.1853G>A, p.Arg618Gln (NM_001441094.1, NM_001441095.1); c.1949G>A, p.Arg650Gln (NM_015075.2); short protein forms R650Q, R689Q, R618Q, R855Q.
Identifiers: ClinVar variation 4764587 (VCV004764587.1).

ClinVar aggregate classification (germline): Uncertain significance (1 of 4 stars; one submission).

Conditions:
Intellectual developmental disorder, X-linked 1. Also called: Atkin Flaitz Patil Smith syndrome; MENTAL RETARDATION, X-LINKED 18; MENTAL RETARDATION, X-LINKED 78; Intellectual disability, X-linked 1. Identifiers: Orphanet 777, MedGen C2931498, MONDO:0010656, OMIM 309530.

gnomAD v4.1: 2 of 1,211,000 alleles (0.00017%); highest among the groups gnomAD compares: Non-Finnish European, 0.00022%; no homozygotes.

Submission:

Labcorp Genetics (formerly Invitae), Labcorp
Classification: Uncertain significance for Intellectual developmental disorder, X-linked 1. Last evaluated: 2025-03-25. Review status: criteria provided, single submitter. Criteria: Invitae Variant Classification Sherloc (09022015). Collection method: clinical testing. Allele origin: germline.
Comment: This sequence change replaces arginine, which is basic and polar, with glutamine, which is neutral and polar, at codon 855 of the IQSEC2 protein (p.Arg855Gln). This variant is not present in population databases (gnomAD no frequency). This variant has not been reported in the literature in individuals affected with IQSEC2-related conditions. Invitae Evidence Modeling of protein sequence and biophysical properties (such as structural, functional, and spatial information, amino acid conservation, physicochemical variation, residue mobility, and thermodynamic stability) indicates that this missense variant is not expected to disrupt IQSEC2 protein function with a negative predictive value of 95%. In summary, the available evidence is currently insufficient to determine the role of this variant in disease. Therefore, it has been classified as a Variant of Uncertain Significance.